The following is an entry in ClinVar:

NM_000372.5(TYR):c.415A>T (p.Thr139Ser)

Gene: TYR (tyrosinase; plus strand). Cytogenetic location: 11q14.3.
Variant type: single nucleotide variant.
Coding change: c.415A>T on transcript NM_000372.5 (MANE Select); coding-DNA position 415, A replaced by T.
Protein change: p.Thr139Ser; replaces threonine 139 with serine.
Molecular consequence: missense variant.
Genome position (GRCh38, 1-based): chr11:89,178,368, A>T. VCF-style: chr11-89178368-A-T. GRCh37 (hg19) VCF-style: chr11-88911536-A-T.
Other names: c.415A>T (NM_000372.4); short protein forms T139S.
Identifiers: ClinVar variation 1363510 (VCV001363510.6), dbSNP rs751055463, ClinGen allele CA6221102.
Genomic context (GRCh38, chr11:89,178,368, plus strand): 5'-GTGAGAAGAAACATCTTCGATTTGAGTGCCCCAGAGAAGGACAAATTTTTTGCCTACCTC[A>T]CTTTAGCAAAGCATACCATCAGCTCAGACTATGTCATCCCCATAGGGACCTATGGCCAAA-3'
Protein context (NP_000363.1, residues 129-149): PEKDKFFAYL[Thr139Ser]LAKHTISSDY

ClinVar aggregate classification (germline): Uncertain significance. Review status: criteria provided, multiple submitters, no conflicts (2 of 4 stars). 2 submissions from 2 submitters: Uncertain significance (2). Last evaluated 2025-06-18.

Conditions:
Inborn genetic diseases. Identifiers: MedGen C0950123, MeSH D030342.

Allele frequency attached by ClinVar (database versions not stated): gnomAD 0.00001 and 0.00002; gnomAD exomes 0.00001 and 0.00003; TOPMed 0.00001; ExAC 0.00004.
gnomAD v4.1: 11 of 1,614,038 alleles (0.00068%); highest among the groups gnomAD compares: Admixed American, 0.018%; no homozygotes.

Submissions (2):

Ambry Genetics
Classification: Uncertain significance for Inborn genetic diseases. Last evaluated: 2025-06-18. Review status: criteria provided, single submitter. Criteria: Ambry Variant Classification Scheme 2023. Collection method: clinical testing. Allele origin: germline.

Labcorp Genetics (formerly Invitae), Labcorp
Classification: Uncertain significance. Last evaluated: 2021-09-17. Review status: criteria provided, single submitter. Criteria: Invitae Variant Classification Sherloc (09022015). Collection method: clinical testing. Allele origin: germline.
Comment: This sequence change replaces threonine with serine at codon 139 of the TYR protein (p.Thr139Ser). The threonine residue is moderately conserved and there is a small physicochemical difference between threonine and serine. This variant is present in population databases (rs751055463, ExAC 0.04%). This variant has not been reported in the literature in individuals affected with TYR-related conditions. Advanced modeling of protein sequence and biophysical properties (such as structural, functional, and spatial information, amino acid conservation, physicochemical variation, residue mobility, and thermodynamic stability) performed at Invitae indicates that this missense variant is not expected to disrupt TYR protein function. In summary, the available evidence is currently insufficient to determine the role of this variant in disease. Therefore, it has been classified as a Variant of Uncertain Significance.